The following is an entry in ClinVar:

ClinVar aggregate classification (germline): Uncertain significance (1 of 4 stars; one submission).

Submission:

Labcorp Genetics (formerly Invitae), Labcorp
Classification: Uncertain significance. Last evaluated: 2022-04-12. Review status: criteria provided, single submitter. Criteria: Invitae Variant Classification Sherloc (09022015). Collection method: clinical testing. Allele origin: germline.
Comment: In summary, the available evidence is currently insufficient to determine the role of this variant in disease. Therefore, it has been classified as a Variant of Uncertain Significance. Algorithms developed to predict the effect of missense changes on protein structure and function are either unavailable or do not agree on the potential impact of this missense change (SIFT: "Tolerated"; PolyPhen-2: "Possibly Damaging"; Align-GVGD: "Class C0"). This variant has not been reported in the literature in individuals affected with SGPL1-related conditions. This variant is not present in population databases (gnomAD no frequency). This sequence change replaces proline, which is neutral and non-polar, with serine, which is neutral and polar, at codon 336 of the SGPL1 protein (p.Pro336Ser).

NM_003901.4(SGPL1):c.1006C>T (p.Pro336Ser)

Gene: SGPL1 (sphingosine-1-phosphate lyase 1; plus strand). Cytogenetic location: 10q22.1.
Variant type: single nucleotide variant.
Coding change: c.1006C>T on transcript NM_003901.4 (MANE Select); coding-DNA position 1006, C replaced by T.
Protein change: p.Pro336Ser; replaces proline 336 with serine.
Molecular consequence: missense variant.
Genome position (GRCh38, 1-based): chr10:70,871,933, C>T. VCF-style: chr10-70871933-C-T. GRCh37 (hg19) VCF-style: chr10-72631690-C-T.
Other names: short protein forms P336S.
Identifiers: ClinVar variation 2125428 (VCV002125428.4), dbSNP rs2492801019, ClinGen allele CA377123757.
Genomic context (GRCh38, chr10:70,871,933, plus strand): 5'-GCTTGTCTGGGAGGCTTCCTCATCGTCTTTATGGAGAAAGCAGGATACCCACTGGAGCAC[C>T]CATTTGATTTCCGGGTGAAAGGTGTAACCAGCATTTCAGCTGACACCCATAAGGTGAGCT-3'
Protein context (NP_003892.2, residues 326-346): MEKAGYPLEH[Pro336Ser]FDFRVKGVTS